The following is an entry in ClinVar:

NM_198291.3(SRC):c.1596C>G (p.Pro532=)

Gene: SRC (SRC proto-oncogene, non-receptor tyrosine kinase; plus strand). Cytogenetic location: 20q11.23.
Variant type: single nucleotide variant.
Coding change: c.1596C>G on transcript NM_198291.3 (MANE Select); coding-DNA position 1596, C replaced by G.
Protein change: p.Pro532=; no amino-acid change (proline 532 retained).
Molecular consequence: synonymous variant.
Genome position (GRCh38, 1-based): chr20:37,403,364, C>G. VCF-style: chr20-37403364-C-G. GRCh37 (hg19) VCF-style: chr20-36031767-C-G.
Other names: c.1596C>G, p.Pro532= (NM_005417.5).
Identifiers: ClinVar variation 3047023 (VCV003047023.2), dbSNP rs751359112, ClinGen allele CA314475379.

ClinVar aggregate classification (germline): Likely benign (0 of 4 stars; one submission).

Conditions:
SRC-related disorder. Also called: SRC-related condition.

Submission:

PreventionGenetics, part of Exact Sciences
Classification: Likely benign for SRC-related condition. Last evaluated: 2023-12-03. Review status: no assertion criteria provided. Collection method: clinical testing. Allele origin: germline.
Comment: This variant is classified as likely benign based on ACMG/AMP sequence variant interpretation guidelines (Richards et al. 2015 PMID: 25741868, with internal and published modifications).